The following is an entry in ClinVar:

ClinVar aggregate classification (germline): Likely benign. Review status: criteria provided, multiple submitters, no conflicts (2 of 4 stars). 6 submissions from 6 submitters: Likely benign (6). Last evaluated 2026-02-02.

Conditions:
Cardiovascular phenotype. Identifiers: MedGen CN230736.
Brugada syndrome 8 (BRGDA8). Identifiers: Orphanet 130, MedGen C2751083, MONDO:0013148, OMIM 613123.
HCN4-related disorder. Also called: HCN4-related condition.

Allele frequency attached by ClinVar (database versions not stated): gnomAD exomes 0.00002 and 0.00008; ExAC 0.00011; gnomAD 0.00024 and 0.00026; TOPMed 0.00031; 1000 Genomes Project 0.00040; 1000 Genomes Project 30x 0.00047.
gnomAD v4.1: 63 of 1,608,204 alleles (0.0039%); highest among the groups gnomAD compares: African/African-American, 0.08%; no homozygotes.

Submissions (6):

Labcorp Genetics (formerly Invitae), Labcorp
Classification: Likely benign for Brugada syndrome 8. Last evaluated: 2026-02-02. Review status: criteria provided, single submitter. Criteria: Invitae Variant Classification Sherloc (09022015). Collection method: clinical testing. Allele origin: germline.

PreventionGenetics, part of Exact Sciences
Classification: Likely benign for HCN4-related condition. Last evaluated: 2026-01-16. Review status: criteria provided, single submitter. Criteria: ACMG Guidelines, 2015. Collection method: clinical testing. Allele origin: germline.
Comment: This variant is classified as likely benign based on ACMG/AMP sequence variant interpretation guidelines (Richards et al. 2015 PMID: 25741868, with internal and published modifications).

Ambry Genetics
Classification: Likely benign for Cardiovascular phenotype. Last evaluated: 2025-08-06. Review status: criteria provided, single submitter. Criteria: Ambry Variant Classification Scheme 2023. Collection method: clinical testing. Allele origin: germline.

Molecular Diagnostic Laboratory for Inherited Cardiovascular Disease, Montreal Heart Institute
Classification: Likely benign. Last evaluated: 2025-04-09. Review status: criteria provided, single submitter. Criteria: ACMG Guidelines, 2015. Collection method: clinical testing. Allele origin: germline. Affected: no.
Comment: BS1, BP4, BP6

Blueprint Genetics
Classification: Likely benign. Last evaluated: 2020-10-14. Review status: criteria provided, single submitter. Criteria: ACMG Guidelines, 2015. Collection method: clinical testing. Allele origin: germline.

GeneDx
Classification: Likely benign. Last evaluated: 2020-08-31. Review status: criteria provided, single submitter. Criteria: GeneDx Variant Classification Process June 2021. Collection method: clinical testing. Allele origin: germline. Affected: yes.
Comment: Has not been previously published as pathogenic or benign to our knowledge; Reported in ClinVar (ClinVar Variant ID# 702282; Landrum et al., 2016); In silico analysis supports that this missense variant does not alter protein structure/function

NM_005477.3(HCN4):c.2668C>T (p.Pro890Ser)

Gene: HCN4 (hyperpolarization activated cyclic nucleotide gated potassium channel 4; minus strand). Cytogenetic location: 15q24.1.
Variant type: single nucleotide variant.
Coding change: c.2668C>T on transcript NM_005477.3 (MANE Select); coding-DNA position 2668, C replaced by T.
Protein change: p.Pro890Ser; replaces proline 890 with serine.
Molecular consequence: missense variant.
Genome position (GRCh38, 1-based): chr15:73,323,425, G>A on the plus strand (C>T on the coding strand, the complement: HCN4 is on the minus strand). VCF-style: chr15-73323425-G-A. GRCh37 (hg19) VCF-style: chr15-73615766-G-A.
Other names: short protein forms P890S.
Identifiers: ClinVar variation 702282 (VCV000702282.19), dbSNP rs184801511, ClinGen allele CA7648975.